The following is an entry in ClinVar:

NM_001148.6(ANK2):c.7417C>G (p.Pro2473Ala)

Genes: ANK2 (ankyrin 2; plus strand), LOC126807137 (CDK7 strongly-dependent group 2 enhancer GRCh37_chr4:114276560-114277759; plus strand). Cytogenetic location: 4q26.
Variant type: single nucleotide variant.
Coding change: c.7417C>G on transcript NM_001148.6 (MANE Select); coding-DNA position 7417, C replaced by G.
Protein change: p.Pro2473Ala; replaces proline 2473 with alanine.
Molecular consequence: missense variant. On other transcripts: intron variant (68).
Genome position (GRCh38, 1-based): chr4:113,356,035, C>G. VCF-style: chr4-113356035-C-G. GRCh37 (hg19) VCF-style: chr4-114277191-C-G.
Other names: c.7183C>G, p.Pro2395Ala (NM_001386142.1); c.3817C>G, p.Pro1273Ala (NM_001386166.1); c.7558C>G, p.Pro2520Ala (NM_001386174.1); c.7534C>G, p.Pro2512Ala (NM_001386175.1); c.4412-4788C>G (NM_001386186.2, NM_001386148.2); c.4214-4788C>G (NM_001354269.3); c.4292-4788C>G (NM_001386187.2); c.4253-4788C>G (NM_001386147.1); and 35 more; short protein forms P1273A, P2395A, P2473A, P2512A, P2520A.
Identifiers: ClinVar variation 1758807 (VCV001758807.2), dbSNP rs2154024692, ClinGen allele CA357930294.

ClinVar aggregate classification (germline): Uncertain significance (1 of 4 stars; one submission).

Conditions:
Cardiovascular phenotype. Identifiers: MedGen CN230736.

Submission:

Ambry Genetics
Classification: Uncertain significance for Cardiovascular phenotype. Last evaluated: 2022-09-26. Review status: criteria provided, single submitter. Criteria: Ambry Variant Classification Scheme 2023. Collection method: clinical testing. Allele origin: germline.
Comment: The p.P2473A variant (also known as c.7417C>G), located in coding exon 38 of the ANK2 gene, results from a C to G substitution at nucleotide position 7417. The proline at codon 2473 is replaced by alanine, an amino acid with highly similar properties. This amino acid position is conserved. In addition, the in silico prediction for this alteration is inconclusive. Since supporting evidence is limited at this time, the clinical significance of this alteration remains unclear.